The following is an entry in ClinVar:

NM_001113378.2(FANCI):c.2224T>C (p.Cys742Arg)

Gene: FANCI (FA complementation group I; plus strand). Cytogenetic location: 15q26.1.
Variant type: single nucleotide variant.
Coding change: c.2224T>C on transcript NM_001113378.2 (MANE Select); coding-DNA position 2224, T replaced by C.
Protein change: p.Cys742Arg; replaces cysteine 742 with arginine.
Molecular consequence: missense variant.
Genome position (GRCh38, 1-based): chr15:89,292,996, T>C. VCF-style: chr15-89292996-T-C. GRCh37 (hg19) VCF-style: chr15-89836227-T-C.
Other names: c.1945T>C, p.Cys649Arg (NM_001376910.1); c.2224T>C, p.Cys742Arg (NM_001376911.1, NM_018193.3); short protein forms C742R, C649R.
Identifiers: ClinVar variation 1497110 (VCV001497110.3), dbSNP rs770611634, ClinGen allele CA7723318.

ClinVar aggregate classification (germline): Uncertain significance (1 of 4 stars; one submission).

Conditions:
Fanconi anemia (FA). Also called: Fanconi's anemia. Identifiers: Orphanet 84, MedGen C0015625, MeSH D005199, MONDO:0019391.

Allele frequency attached by ClinVar (database versions not stated): gnomAD exomes 0.00001; ExAC 0.00002.
gnomAD v4.1: 4 of 1,614,036 alleles (0.00025%); highest among the groups gnomAD compares: Admixed American, 0.0033%; no homozygotes.

Submission:

Labcorp Genetics (formerly Invitae), Labcorp
Classification: Uncertain significance for Fanconi anemia. Last evaluated: 2022-07-05. Review status: criteria provided, single submitter. Criteria: Invitae Variant Classification Sherloc (09022015). Collection method: clinical testing. Allele origin: germline.
Comment: This sequence change replaces cysteine, which is neutral and slightly polar, with arginine, which is basic and polar, at codon 742 of the FANCI protein (p.Cys742Arg). This variant is present in population databases (rs770611634, gnomAD 0.002%). This variant has not been reported in the literature in individuals affected with FANCI-related conditions. ClinVar contains an entry for this variant (Variation ID: 1497110). Algorithms developed to predict the effect of missense changes on protein structure and function (SIFT, PolyPhen-2, Align-GVGD) all suggest that this variant is likely to be tolerated. In summary, the available evidence is currently insufficient to determine the role of this variant in disease. Therefore, it has been classified as a Variant of Uncertain Significance.